The following is an entry in ClinVar:

NM_020366.4(RPGRIP1):c.968T>C (p.Leu323Pro)

Gene: RPGRIP1 (RPGR interacting protein 1; plus strand). Cytogenetic location: 14q11.2.
Variant type: single nucleotide variant.
Coding change: c.968T>C on transcript NM_020366.4 (MANE Select); coding-DNA position 968, T replaced by C.
Protein change: p.Leu323Pro; replaces leucine 323 with proline.
Molecular consequence: missense variant.
Genome position (GRCh38, 1-based): chr14:21,311,861, T>C. VCF-style: chr14-21311861-T-C. GRCh37 (hg19) VCF-style: chr14-21780020-T-C.
Other names: c.968T>C (NM_020366.3); short protein forms L323P.
Identifiers: ClinVar variation 285276 (VCV000285276.14), dbSNP rs199982906, ClinGen allele CA7088839.

ClinVar aggregate classification (germline): Uncertain significance. Review status: criteria provided, multiple submitters, no conflicts (2 of 4 stars). 7 submissions from 6 submitters: Uncertain significance (7). Last evaluated 2026-04-01.

Conditions:
RPGRIP1-related disorder. Also called: RPGRIP1-related condition.
Leber congenital amaurosis 6 (LCA6). Identifiers: Orphanet 65, MedGen C1854260, MONDO:0013446, OMIM 613826.
Cone-rod dystrophy 13 (CORD13). Identifiers: Orphanet 1872, MedGen C2750720, MONDO:0011987, OMIM 608194.
Inborn genetic diseases. Identifiers: MedGen C0950123, MeSH D030342.

Allele frequency attached by ClinVar (database versions not stated): gnomAD exomes 0.00010 and 0.00028; TOPMed 0.00011; ExAC 0.00012; gnomAD 0.00013 and 0.00014; ESP Exome Variant Server 0.00041.
gnomAD v4.1: 437 of 1,610,688 alleles (0.027%); highest among the groups gnomAD compares: Non-Finnish European, 0.034%; no homozygotes.

Submissions (7):

PreventionGenetics, part of Exact Sciences
Classification: Uncertain significance for RPGRIP1-related condition. Last evaluated: 2026-04-01. Review status: criteria provided, single submitter. Criteria: ACMG Guidelines, 2015. Collection method: clinical testing. Allele origin: germline.
Comment: The RPGRIP1 c.968T>C variant is predicted to result in the amino acid substitution p.Leu323Pro. To our knowledge, this variant has not been reported in the literature. This variant is reported in 0.019% of alleles in individuals of European (Non-Finnish) descent in gnomAD. At this time, the clinical significance of this variant is uncertain due to the absence of conclusive functional and genetic evidence.

Ambry Genetics
Classification: Uncertain significance for Inborn genetic diseases. Last evaluated: 2024-12-03. Review status: criteria provided, single submitter. Criteria: Ambry Variant Classification Scheme 2023. Collection method: clinical testing. Allele origin: germline.

Blueprint Genetics
Classification: Uncertain significance. Last evaluated: 2024-08-21. Review status: criteria provided, single submitter. Criteria: ACMG Guidelines, 2015. Collection method: clinical testing. Allele origin: germline.

Labcorp Genetics (formerly Invitae), Labcorp
Classification: Uncertain significance for Leber congenital amaurosis 6; Cone-rod dystrophy 13. Last evaluated: 2021-12-02. Review status: criteria provided, single submitter. Criteria: Invitae Variant Classification Sherloc (09022015). Collection method: clinical testing. Allele origin: germline.
Comment: This sequence change replaces leucine, which is neutral and non-polar, with proline, which is neutral and non-polar, at codon 323 of the RPGRIP1 protein (p.Leu323Pro). This variant is present in population databases (rs199982906, gnomAD 0.02%). This variant has not been reported in the literature in individuals affected with RPGRIP1-related conditions. ClinVar contains an entry for this variant (Variation ID: 285276). Algorithms developed to predict the effect of missense changes on protein structure and function (SIFT, PolyPhen-2, Align-GVGD) all suggest that this variant is likely to be disruptive. In summary, the available evidence is currently insufficient to determine the role of this variant in disease. Therefore, it has been classified as a Variant of Uncertain Significance.

Genome-Nilou Lab
Classification: Uncertain significance for Leber congenital amaurosis 6. Last evaluated: 2021-11-07. Review status: criteria provided, single submitter. Criteria: ACMG Guidelines, 2015. Collection method: clinical testing. Allele origin: germline. Affected: no.

Genome-Nilou Lab
Classification: Uncertain significance for Cone-rod dystrophy 13. Last evaluated: 2021-11-07. Review status: criteria provided, single submitter. Criteria: ACMG Guidelines, 2015. Collection method: clinical testing. Allele origin: germline. Affected: no.

Eurofins Ntd Llc (ga)
Classification: Uncertain significance. Last evaluated: 2016-01-27. Review status: criteria provided, single submitter. Criteria: EGL Classification Definitions 2015. Collection method: clinical testing. Allele origin: germline. Observed: 1 variant allele, 1 heterozygote.